The following is an entry in ClinVar:

ClinVar aggregate classification (germline): Likely benign (1 of 4 stars; one submission).

Allele frequency attached by ClinVar (database versions not stated): 1000 Genomes Project 0.00040; ExAC 0.00070; 1000 Genomes Project 30x 0.00078; gnomAD 0.00169; TOPMed 0.00184.
gnomAD v4.1: 3,752 of 1,499,112 alleles (0.25%); highest among the groups gnomAD compares: Non-Finnish European, 0.3%; 8 homozygotes.

Submission:

CeGaT Center for Human Genetics Tuebingen
Classification: Likely benign. Last evaluated: 2022-07-01. Review status: criteria provided, single submitter. Criteria: CeGaT Center For Human Genetics Tuebingen Variant Classification Criteria Version 2. Collection method: clinical testing. Allele origin: germline. Affected: yes. Observed: 1 variant allele.
Comment: TTC13: BP4, BP7

NM_024525.5(TTC13):c.45C>T (p.Gly15=)

Gene: TTC13 (tetratricopeptide repeat domain 13; minus strand). Cytogenetic location: 1q42.2.
Variant type: single nucleotide variant.
Coding change: c.45C>T on transcript NM_024525.5 (MANE Select); coding-DNA position 45, C replaced by T.
Protein change: p.Gly15=; no amino-acid change (glycine 15 retained).
Molecular consequence: synonymous variant.
Genome position (GRCh38, 1-based): chr1:230,978,786, G>A on the plus strand (C>T on the coding strand, the complement: TTC13 is on the minus strand). VCF-style: chr1-230978786-G-A. GRCh37 (hg19) VCF-style: chr1-231114532-G-A.
Other names: c.45C>T, p.Gly15= (NM_001122835.3, NM_001376507.1, NM_001376508.1 and 6 more transcripts).
Identifiers: ClinVar variation 2640072 (VCV002640072.24), dbSNP rs544938549, ClinGen allele CA1450311.